The following is an entry in ClinVar:

NM_001386140.1(MTTP):c.646T>C (p.Ser216Pro)

Gene: MTTP (microsomal triglyceride transfer protein; plus strand). Cytogenetic location: 4q23.
Variant type: single nucleotide variant.
Coding change: c.646T>C on transcript NM_001386140.1 (MANE Select); coding-DNA position 646, T replaced by C.
Protein change: p.Ser216Pro; replaces serine 216 with proline.
Molecular consequence: missense variant.
Genome position (GRCh38, 1-based): chr4:99,591,678, T>C. VCF-style: chr4-99591678-T-C. GRCh37 (hg19) VCF-style: chr4-100512835-T-C.
Other names: c.646T>C, p.Ser216Pro (NM_000253.4); c.397T>C, p.Ser133Pro (NM_001300785.2); short protein forms S216P, S133P.
Identifiers: ClinVar variation 2051472 (VCV002051472.4), dbSNP rs2476107558, ClinGen allele CA357504980.

ClinVar aggregate classification (germline): Uncertain significance (1 of 4 stars; one submission).

Submission:

Labcorp Genetics (formerly Invitae), Labcorp
Classification: Uncertain significance. Last evaluated: 2021-12-21. Review status: criteria provided, single submitter. Criteria: Invitae Variant Classification Sherloc (09022015). Collection method: clinical testing. Allele origin: germline.
Comment: In summary, the available evidence is currently insufficient to determine the role of this variant in disease. Therefore, it has been classified as a Variant of Uncertain Significance. Algorithms developed to predict the effect of missense changes on protein structure and function are either unavailable or do not agree on the potential impact of this missense change (SIFT: "Tolerated"; PolyPhen-2: "Possibly Damaging"; Align-GVGD: "Class C0"). This variant has not been reported in the literature in individuals affected with MTTP-related conditions. This variant is not present in population databases (gnomAD no frequency). This sequence change replaces serine, which is neutral and polar, with proline, which is neutral and non-polar, at codon 216 of the MTTP protein (p.Ser216Pro).